The following is an entry in ClinVar:

ClinVar aggregate classification (germline): Likely benign (1 of 4 stars; one submission).

Conditions:
FOLR3-related disorder. Also called: FOLR3-related condition.

Allele frequency attached by ClinVar (database versions not stated): gnomAD exomes below 0.00001.
gnomAD v4.1: 1 of 1,611,598 alleles (0.000062%); highest among the groups gnomAD compares: Non-Finnish European, 0.000085%; no homozygotes.

Submission:

PreventionGenetics, part of Exact Sciences
Classification: Likely benign for FOLR3-related condition. Last evaluated: 2023-12-06. Review status: criteria provided, single submitter. Criteria: ACMG Guidelines, 2015. Collection method: clinical testing. Allele origin: germline.
Comment: This variant is classified as likely benign based on ACMG/AMP sequence variant interpretation guidelines (Richards et al. 2015 PMID: 25741868, with internal and published modifications).

NM_000804.4(FOLR3):c.372G>A (p.Trp124Ter)

Gene: FOLR3 (folate receptor gamma; plus strand). Cytogenetic location: 11q13.4.
Variant type: single nucleotide variant.
Coding change: c.372G>A on transcript NM_000804.4 (MANE Select); coding-DNA position 372, G replaced by A.
Protein change: p.Trp124Ter; replaces tryptophan 124 with a stop codon.
Molecular consequence: nonsense. On other transcripts: non-coding transcript variant (1).
Genome position (GRCh38, 1-based): chr11:72,139,361, G>A. VCF-style: chr11-72139361-G-A. GRCh37 (hg19) VCF-style: chr11-71850405-G-A.
Other names: c.99G>A, p.Trp33Ter (NM_001318045.2); c.498G>A, p.Trp166Ter (NM_001412270.1); short protein forms W124*, W166*, W33*.
Identifiers: ClinVar variation 3048755 (VCV003048755.1), dbSNP rs2135363799, ClinGen allele CA381741473.